The following is an entry in ClinVar:

ClinVar aggregate classification (germline): Uncertain significance (1 of 4 stars; one submission).

Conditions:
Hereditary cancer-predisposing syndrome. Also called: Tumor predisposition; Neoplastic Syndromes, Hereditary; Hereditary neoplastic syndrome; Hereditary Cancer Syndrome. Identifiers: Orphanet 140162, MedGen C0027672, MeSH D009386, MONDO:0015356.

Submission:

Ambry Genetics
Classification: Uncertain significance for Hereditary cancer-predisposing syndrome. Last evaluated: 2024-10-20. Review status: criteria provided, single submitter. Criteria: Ambry Variant Classification Scheme 2023. Collection method: clinical testing. Allele origin: germline.
Comment: The p.V698F variant (also known as c.2092G>T), located in coding exon 13 of the SMARCA4 gene, results from a G to T substitution at nucleotide position 2092. The valine at codon 698 is replaced by phenylalanine, an amino acid with highly similar properties. This amino acid position is conserved. In addition, this alteration is predicted to be deleterious by in silico analysis. Based on the available evidence, the clinical significance of this variant remains unclear.

NM_003072.5(SMARCA4):c.2092G>T (p.Val698Phe)

Gene: SMARCA4 (SWI/SNF related BAF chromatin remodeling complex subunit ATPase 4; plus strand). Cytogenetic location: 19p13.2.
Variant type: single nucleotide variant.
Coding change: c.2092G>T on transcript NM_003072.5 (MANE Select); coding-DNA position 2092, G replaced by T.
Protein change: p.Val698Phe; replaces valine 698 with phenylalanine.
Molecular consequence: missense variant. On other transcripts: non-coding transcript variant (1).
Genome position (GRCh38, 1-based): chr19:11,007,992, G>T. VCF-style: chr19-11007992-G-T. GRCh37 (hg19) VCF-style: chr19-11118668-G-T.
Other names: c.2092G>T, p.Val698Phe (NM_001128844.3, NM_001128845.2, NM_001128846.2 and 6 more transcripts); short protein forms V698F.
Identifiers: ClinVar variation 3446018 (VCV003446018.1).
Genomic context (GRCh38, chr19:11,007,992, plus strand): 5'-CAGCCTCCCACCCTGCCCGTGGAGGAGAAGAAGAAGATTCCAGATCCAGACAGCGATGAC[G>T]TCTCTGAGGTGGACGCGCGGCACATCATTGAGTAAGGGGTCCCGACACAGGTTGTTCTGT-3'
Protein context (NP_003063.2, residues 688-708): KKIPDPDSDD[Val698Phe]SEVDARHIIE